The following is an entry in ClinVar:

ClinVar aggregate classification (germline): Likely pathogenic. Review status: criteria provided, multiple submitters, no conflicts (2 of 4 stars). 2 submissions from 2 submitters: Likely pathogenic (2). Last evaluated 2018-06-28.

Conditions:
Cardiovascular phenotype. Identifiers: MedGen CN230736.
Marfan syndrome (MFS). Also called: MARFAN SYNDROME, TYPE I; FBN1-Related Marfan Syndrome; Marfan syndrome, classic; Marfan syndrome type 1; Marfan's syndrome. Identifiers: Orphanet 284963, Orphanet 558, MedGen C0024796, MONDO:0007947, OMIM 154700.
Familial thoracic aortic aneurysm and aortic dissection (TAAD). Also called: Thoracic aortic aneurysms and dissections. Identifiers: Orphanet 91387, MedGen C4707243, MONDO:0019625.

Submissions (2):

Labcorp Genetics (formerly Invitae), Labcorp
Classification: Likely pathogenic for Marfan syndrome; Familial thoracic aortic aneurysm and aortic dissection. Last evaluated: 2018-06-28. Review status: criteria provided, single submitter. Criteria: Invitae Variant Classification Sherloc (09022015). Collection method: clinical testing. Allele origin: germline.
Comment: A different missense substitution at this codon (p.Cys734Phe) has been reported in an individual affected with Marfan syndrome (PMID: 12203992). In summary, the currently available evidence indicates that the variant is pathogenic, but additional data are needed to prove that conclusively. Therefore, this variant has been classified as Likely Pathogenic. Algorithms developed to predict the effect of missense changes on protein structure and function do not agree on the potential impact of this missense change (SIFT: "Tolerated"; PolyPhen-2: "Probably Damaging"; Align-GVGD: "Class C15"). This variant affects a cysteine residue located within an epidermal-growth-factor (EGF)–like domain of the FBN1 protein. Cysteine residues in these domains have been shown to be involved in the formation of disulfide bridges, which are critical for FBN1 protein structure and stability (PMID: 10486319, 3495735, 4750422, 16677079). In addition, missense substitutions within the FBN1 EGF-like domains affecting cysteine residues are significantly overrepresented among patients with Marfan syndrome (PMID: 16571647, 17701892). This variant has not been reported in the literature in individuals with FBN1-related disease. ClinVar contains an entry for this variant (Variation ID: 263790). This variant is not present in population databases (ExAC no frequency). This sequence change replaces cysteine with tyrosine at codon 734 of the FBN1 protein (p.Cys734Tyr). The cysteine residue is highly conserved and there is a large physicochemical difference between cysteine and tyrosine.

Ambry Genetics
Classification: Likely pathogenic for Cardiovascular phenotype. Last evaluated: 2013-10-30. Review status: criteria provided, single submitter. Criteria: Ambry Autosomal Dominant and X-Linked criteria (10/2015). Collection method: clinical testing. Allele origin: germline. Observed: 1 variant allele.
Comment: The p.C734Y variant (also known as c.2201G>A) is located in coding exon 18 of the FBN1 gene. This alteration results from a G to A substitution at nucleotide position 2201. The cysteine at codon 734 is replaced by tyrosine, an amino acid with highly dissimilar properties. In general, cysteine substitutions that disrupt disulfide bridges that connect highly conserved cysteine residues in EGF-like domains are present in approximately 25% of all patients with Marfan syndrome (MFS) and in others not meeting MFS diagnostic criteria; a high frequency of ectopia lentis is associated with these types of mutations (Schrijver I et al. Am J Hum Genet. 1999;65(4):1007-1020).This variant was not reported in population-based cohorts in the following databases: Database of Single Nucleotide Polymorphisms (dbSNP), NHLBI Exome Sequencing Project (ESP) and 1000 Genomes Project. Based on protein sequence alignment, this amino acid position is highly conserved in available vertebrate species. In addition, this alteration is predicted to be deleterious by in silico analysis. Based on available evidence to date, this variant is likely to be pathogenic.

Literature cited by the submitters: PubMed 12203992 (cited by Labcorp Genetics (formerly Invitae), Labcorp); PubMed 10486319 (cited by Labcorp Genetics (formerly Invitae), Labcorp); PubMed 3495735 (cited by Labcorp Genetics (formerly Invitae), Labcorp); PubMed 4750422 (cited by Labcorp Genetics (formerly Invitae), Labcorp); PubMed 16677079 (cited by Labcorp Genetics (formerly Invitae), Labcorp); PubMed 16571647 (cited by Labcorp Genetics (formerly Invitae), Labcorp); PubMed 17701892 (cited by Labcorp Genetics (formerly Invitae), Labcorp).

NM_000138.5(FBN1):c.2201G>A (p.Cys734Tyr)

Gene: FBN1 (fibrillin 1; minus strand). Cytogenetic location: 15q21.1.
Variant type: single nucleotide variant.
Coding change: c.2201G>A on transcript NM_000138.5 (MANE Select); coding-DNA position 2201, G replaced by A.
Protein change: p.Cys734Tyr; replaces cysteine 734 with tyrosine.
Molecular consequence: missense variant.
Genome position (GRCh38, 1-based): chr15:48,497,358, C>T on the plus strand (G>A on the coding strand, the complement: FBN1 is on the minus strand). VCF-style: chr15-48497358-C-T. GRCh37 (hg19) VCF-style: chr15-48789555-C-T.
Other names: short protein forms C734Y.
Identifiers: ClinVar variation 263790 (VCV000263790.10), dbSNP rs794728187, ClinGen allele CA10587853.